The following is an entry in ClinVar:

ClinVar aggregate classification (germline): Uncertain significance (1 of 4 stars; one submission).

Conditions:
Familial thoracic aortic aneurysm and aortic dissection (TAAD). Also called: Thoracic aortic aneurysms and dissections. Identifiers: Orphanet 91387, MedGen C4707243, MONDO:0019625.

Submission:

Ambry Genetics
Classification: Uncertain significance for Familial thoracic aortic aneurysm and aortic dissection. Last evaluated: 2022-04-09. Review status: criteria provided, single submitter. Criteria: Ambry Variant Classification Scheme 2023. Collection method: clinical testing. Allele origin: germline.
Comment: The p.E13G variant (also known as c.38A>G), located in coding exon 1 of the PRKG1 gene, results from an A to G substitution at nucleotide position 38. The glutamic acid at codon 13 is replaced by glycine, an amino acid with similar properties. This amino acid position is conserved. In addition, the in silico prediction for this alteration is inconclusive. Since supporting evidence is limited at this time, the clinical significance of this alteration remains unclear.

NM_006258.4(PRKG1):c.38A>G (p.Glu13Gly)

Gene: PRKG1 (protein kinase cGMP-dependent 1; plus strand). Cytogenetic location: 10q11.23.
Variant type: single nucleotide variant.
Coding change: c.38A>G on transcript NM_006258.4 (MANE Select); coding-DNA position 38, A replaced by G.
Protein change: p.Glu13Gly; replaces glutamic acid 13 with glycine.
Molecular consequence: missense variant. On other transcripts: intron variant (1).
Genome position (GRCh38, 1-based): chr10:51,074,628, A>G. VCF-style: chr10-51074628-A-G. GRCh37 (hg19) VCF-style: chr10-52834388-A-G.
Other names: c.38A>G, p.Glu13Gly (NM_001374782.1); c.267-78536A>G (NM_001098512.3); short protein forms E13G.
Identifiers: ClinVar variation 1735991 (VCV001735991.2), dbSNP rs2493151853, ClinGen allele CA376826648.